The following is an entry in ClinVar:

NM_000487.6(ARSA):c.224+8G>A

Gene: ARSA (arylsulfatase A; minus strand). Cytogenetic location: 22q13.33.
Variant type: single nucleotide variant.
Coding change: c.224+8G>A on transcript NM_000487.6 (MANE Select); 8 bases into the intron after coding-DNA position 224, G replaced by A.
Molecular consequence: intron variant.
Genome position (GRCh38, 1-based): chr22:50,627,548, C>T on the plus strand (G>A on the coding strand, the complement: ARSA is on the minus strand). VCF-style: chr22-50627548-C-T. GRCh37 (hg19) VCF-style: chr22-51065976-C-T.
Other names: c.-34-142G>A (NM_001362782.2, NM_001085428.3); c.224+8G>A (NM_001085427.3, NM_001085426.3, NM_001085425.3).
Identifiers: ClinVar variation 456717 (VCV000456717.13), dbSNP rs775536824, ClinGen allele CA10325101.

ClinVar aggregate classification (germline): Likely benign. Review status: criteria provided, single submitter (1 of 4 stars). 2 submissions from 2 submitters: Likely benign (1). 1 of the submissions does not count toward it. Last evaluated 2026-01-28.

Conditions:
Metachromatic leukodystrophy (MLD). Also called: CEREBROSIDE SULFATASE DEFICIENCY; METACHROMATIC LEUKOENCEPHALOPATHY; SULFATIDE LIPIDOSIS; Cerebral sclerosis diffuse metachromatic form; ARSA DEFICIENCY; Arylsulfatase A Deficiency. Identifiers: Orphanet 512, MedGen C0023522, MONDO:0018868, OMIM 250100.
ARSA-related disorder. Also called: ARSA-related condition.

Allele frequency attached by ClinVar (database versions not stated): gnomAD 0.00001; gnomAD exomes 0.00001 and 0.00004; TOPMed 0.00003; ExAC 0.00005.
gnomAD v4.1: 25 of 1,560,450 alleles (0.0016%); highest among the groups gnomAD compares: East Asian, 0.019%; no homozygotes.

Submissions (2):

Labcorp Genetics (formerly Invitae), Labcorp
Classification: Likely benign for Metachromatic leukodystrophy. Last evaluated: 2026-01-28. Review status: criteria provided, single submitter. Criteria: Invitae Variant Classification Sherloc (09022015). Collection method: clinical testing. Allele origin: germline.

PreventionGenetics, part of Exact Sciences
Classification: Likely benign for ARSA-related condition. Last evaluated: 2023-03-22. Review status: no assertion criteria provided. Collection method: clinical testing. Allele origin: germline. Not counted in ClinVar's aggregate classification.
Comment: This variant is classified as likely benign based on ACMG/AMP sequence variant interpretation guidelines (Richards et al. 2015 PMID: 25741868, with internal and published modifications).